The following is an entry in ClinVar:

NM_001853.4(COL9A3):c.283G>A (p.Gly95Arg)

Gene: COL9A3 (collagen type IX alpha 3 chain; plus strand). Cytogenetic location: 20q13.33.
Variant type: single nucleotide variant.
Coding change: c.283G>A on transcript NM_001853.4 (MANE Select); coding-DNA position 283, G replaced by A.
Protein change: p.Gly95Arg; replaces glycine 95 with arginine.
Molecular consequence: missense variant.
Genome position (GRCh38, 1-based): chr20:62,819,956, G>A. VCF-style: chr20-62819956-G-A. GRCh37 (hg19) VCF-style: chr20-61451308-G-A.
Other names: short protein forms G95R.
Identifiers: ClinVar variation 3637708 (VCV003637708.2).

ClinVar aggregate classification (germline): Uncertain significance (1 of 4 stars; one submission).

Submission:

Labcorp Genetics (formerly Invitae), Labcorp
Classification: Uncertain significance. Last evaluated: 2024-10-22. Review status: criteria provided, single submitter. Criteria: Invitae Variant Classification Sherloc (09022015). Collection method: clinical testing. Allele origin: germline.
Comment: This sequence change replaces glycine, which is neutral and non-polar, with arginine, which is basic and polar, at codon 95 of the COL9A3 protein (p.Gly95Arg). This variant is not present in population databases (gnomAD no frequency). This variant has not been reported in the literature in individuals affected with COL9A3-related conditions. Invitae Evidence Modeling of protein sequence and biophysical properties (such as structural, functional, and spatial information, amino acid conservation, physicochemical variation, residue mobility, and thermodynamic stability) indicates that this missense variant is expected to disrupt COL9A3 protein function with a positive predictive value of 95%. In summary, the available evidence is currently insufficient to determine the role of this variant in disease. Therefore, it has been classified as a Variant of Uncertain Significance.